The following is an entry in ClinVar:

NM_017654.4(SAMD9):c.2643T>G (p.Asp881Glu)

Gene: SAMD9 (sterile alpha motif domain containing 9; minus strand). Cytogenetic location: 7q21.2.
Variant type: single nucleotide variant.
Coding change: c.2643T>G on transcript NM_017654.4 (MANE Select); coding-DNA position 2643, T replaced by G.
Protein change: p.Asp881Glu; replaces aspartic acid 881 with glutamic acid.
Molecular consequence: missense variant.
Genome position (GRCh38, 1-based): chr7:93,103,455, A>C on the plus strand (T>G on the coding strand, the complement: SAMD9 is on the minus strand). VCF-style: chr7-93103455-A-C. GRCh37 (hg19) VCF-style: chr7-92732768-A-C.
Other names: c.2643T>G, p.Asp881Glu (NM_001193307.2); short protein forms D881E.
Identifiers: ClinVar variation 3792114 (VCV003792114.1).

ClinVar aggregate classification (germline): Uncertain significance (1 of 4 stars; one submission).

Conditions:
Inborn genetic diseases. Identifiers: MedGen C0950123, MeSH D030342.

Submission:

Ambry Genetics
Classification: Uncertain significance for Inborn genetic diseases. Last evaluated: 2025-02-21. Review status: criteria provided, single submitter. Criteria: Ambry Variant Classification Scheme 2023. Collection method: clinical testing. Allele origin: germline.
Comment: The p.D881E variant (also known as c.2643T>G), located in coding exon 1 of the SAMD9 gene, results from a T to G substitution at nucleotide position 2643. The aspartic acid at codon 881 is replaced by glutamic acid, an amino acid with highly similar properties. This amino acid position is conserved. In addition, this alteration is predicted to be tolerated by in silico analysis. Based on the available evidence, the clinical significance of this variant remains unclear.